The following is an entry in ClinVar:

NM_001366385.1(CARD14):c.1828C>T (p.Arg610Cys)

Gene: CARD14 (caspase recruitment domain family member 14; plus strand). Cytogenetic location: 17q25.3.
Variant type: single nucleotide variant.
Coding change: c.1828C>T on transcript NM_001366385.1 (MANE Select); coding-DNA position 1828, C replaced by T.
Protein change: p.Arg610Cys; replaces arginine 610 with cysteine.
Molecular consequence: missense variant. On other transcripts: non-coding transcript variant (1).
Genome position (GRCh38, 1-based): chr17:80,198,568, C>T. VCF-style: chr17-80198568-C-T. GRCh37 (hg19) VCF-style: chr17-78172367-C-T.
Other names: c.1828C>T, p.Arg610Cys (NM_024110.4, NM_001257970.1); c.1117C>T, p.Arg373Cys (NM_052819.3); short protein forms R610C, R373C.
Identifiers: ClinVar variation 567960 (VCV000567960.9), dbSNP rs371910172, ClinGen allele CA8817006.

ClinVar aggregate classification (germline): Uncertain significance (1 of 4 stars; one submission).

Conditions:
Pityriasis rubra pilaris (PRP). Also called: Pityriasis rubra pilaris--familial type. Identifiers: Orphanet 2897, MedGen C0032027, MONDO:0100017, OMIM 173200, MONDO:0008251.
Psoriasis 2. Identifiers: MedGen C1864497, MONDO:0011269, OMIM 602723.

Allele frequency attached by ClinVar (database versions not stated): TOPMed below 0.00001; gnomAD 0.00001; gnomAD exomes 0.00002; ExAC 0.00003; ESP Exome Variant Server 0.00008.
gnomAD v4.1: 62 of 1,612,406 alleles (0.0038%); highest among the groups gnomAD compares: Middle Eastern, 0.016%; no homozygotes.

Submission:

Labcorp Genetics (formerly Invitae), Labcorp
Classification: Uncertain significance for Pityriasis rubra pilaris; Psoriasis 2. Last evaluated: 2024-03-01. Review status: criteria provided, single submitter. Criteria: Invitae Variant Classification Sherloc (09022015). Collection method: clinical testing. Allele origin: germline.
Comment: This sequence change replaces arginine, which is basic and polar, with cysteine, which is neutral and slightly polar, at codon 610 of the CARD14 protein (p.Arg610Cys). This variant is present in population databases (rs371910172, gnomAD 0.007%). This variant has not been reported in the literature in individuals affected with CARD14-related conditions. ClinVar contains an entry for this variant (Variation ID: 567960). Advanced modeling of protein sequence and biophysical properties (such as structural, functional, and spatial information, amino acid conservation, physicochemical variation, residue mobility, and thermodynamic stability) performed at Invitae indicates that this missense variant is expected to disrupt CARD14 protein function with a positive predictive value of 80%. In summary, the available evidence is currently insufficient to determine the role of this variant in disease. Therefore, it has been classified as a Variant of Uncertain Significance.